The following is an entry in ClinVar:

NM_005896.4(IDH1):c.197A>G (p.Lys66Arg)

Gene: IDH1 (isocitrate dehydrogenase (NADP(+)) 1; minus strand). Cytogenetic location: 2q34.
Variant type: single nucleotide variant.
Coding change: c.197A>G on transcript NM_005896.4 (MANE Select); coding-DNA position 197, A replaced by G.
Protein change: p.Lys66Arg; replaces lysine 66 with arginine.
Molecular consequence: missense variant.
Genome position (GRCh38, 1-based): chr2:208,248,586, T>C on the plus strand (A>G on the coding strand, the complement: IDH1 is on the minus strand). VCF-style: chr2-208248586-T-C. GRCh37 (hg19) VCF-style: chr2-209113310-T-C.
Other names: c.197A>G, p.Lys66Arg (NM_001282386.1, NM_001282387.1); short protein forms K66R.
Identifiers: ClinVar variation 1783773 (VCV001783773.2), dbSNP rs111834611, ClinGen allele CA64588342.
Genomic context (GRCh38, chr2:208,248,586, plus strand): 5'-AACTCCTCAACCCTCTTCTCATCAGGAGTGATAGTGGCACATTTGACGCCAACATTATGC[T>C]TCTTTATAGCTTCTGCAGCATCCTTGGTGACTTGGTCGTTGGTGGCATCACGATTCTCTA-3'
Protein context (NP_005887.2, residues 56-76): VTKDAAEAIK[Lys66Arg]HNVGVKCATI

ClinVar aggregate classification (germline): Uncertain significance (1 of 4 stars; one submission).

Submission:

Ambry Genetics
Classification: Uncertain significance. Last evaluated: 2022-07-12. Review status: criteria provided, single submitter. Criteria: Ambry Variant Classification Scheme 2023. Collection method: clinical testing. Allele origin: germline.
Comment: The p.K66R variant (also known as c.197A>G), located in coding exon 2 of the IDH1 gene, results from an A to G substitution at nucleotide position 197. The lysine at codon 66 is replaced by arginine, an amino acid with highly similar properties. This amino acid position is conserved. In addition, this alteration is predicted to be tolerated by in silico analysis. Since supporting evidence is limited at this time, the clinical significance of this alteration remains unclear.